The following is an entry in ClinVar:

ClinVar aggregate classification (germline): Uncertain significance. Review status: criteria provided, multiple submitters, no conflicts (2 of 4 stars). 2 submissions from 2 submitters: Uncertain significance (2). Last evaluated 2025-10-26.

Conditions:
Inborn genetic diseases. Identifiers: MedGen C0950123, MeSH D030342.

Allele frequency attached by ClinVar (database versions not stated): gnomAD 0.00002; TOPMed 0.00002; ExAC 0.00003; gnomAD exomes 0.00003; ESP Exome Variant Server 0.00008.
gnomAD v4.1: 137 of 1,613,814 alleles (0.0085%); highest among the groups gnomAD compares: Non-Finnish European, 0.012%; no homozygotes.

Submissions (2):

Labcorp Genetics (formerly Invitae), Labcorp
Classification: Uncertain significance. Last evaluated: 2025-10-26. Review status: criteria provided, single submitter. Criteria: Invitae Variant Classification Sherloc (09022015). Collection method: clinical testing. Allele origin: germline.
Comment: This sequence change replaces proline, which is neutral and non-polar, with alanine, which is neutral and non-polar, at codon 328 of the NACC1 protein (p.Pro328Ala). This variant is present in population databases (rs143045136, gnomAD 0.007%). This variant has not been reported in the literature in individuals affected with NACC1-related conditions. ClinVar contains an entry for this variant (Variation ID: 1447589). Invitae Evidence Modeling of protein sequence and biophysical properties (such as structural, functional, and spatial information, amino acid conservation, physicochemical variation, residue mobility, and thermodynamic stability) indicates that this missense variant is not expected to disrupt NACC1 protein function with a negative predictive value of 80%. In summary, the available evidence is currently insufficient to determine the role of this variant in disease. Therefore, it has been classified as a Variant of Uncertain Significance.

Ambry Genetics
Classification: Uncertain significance for Inborn genetic diseases. Last evaluated: 2024-10-01. Review status: criteria provided, single submitter. Criteria: Ambry Variant Classification Scheme 2023. Collection method: clinical testing. Allele origin: germline.

NM_052876.4(NACC1):c.982C>G (p.Pro328Ala)

Gene: NACC1 (nucleus accumbens associated 1; plus strand). Cytogenetic location: 19p13.13.
Variant type: single nucleotide variant.
Coding change: c.982C>G on transcript NM_052876.4 (MANE Select); coding-DNA position 982, C replaced by G.
Protein change: p.Pro328Ala; replaces proline 328 with alanine.
Molecular consequence: missense variant.
Genome position (GRCh38, 1-based): chr19:13,136,267, C>G. VCF-style: chr19-13136267-C-G. GRCh37 (hg19) VCF-style: chr19-13247081-C-G.
Other names: c.982C>G (NM_052876.2); short protein forms P328A.
Identifiers: ClinVar variation 1447589 (VCV001447589.7), dbSNP rs143045136, ClinGen allele CA9238382.